The following is an entry in ClinVar:

NM_000380.4(XPA):c.20C>T (p.Ala7Val)

Gene: XPA (XPA, DNA damage recognition and repair factor; minus strand). Cytogenetic location: 9q22.33.
Variant type: single nucleotide variant.
Coding change: c.20C>T on transcript NM_000380.4 (MANE Select); coding-DNA position 20, C replaced by T.
Protein change: p.Ala7Val; replaces alanine 7 with valine.
Molecular consequence: missense variant. On other transcripts: 5 prime UTR variant (1), non-coding transcript variant (5).
Genome position (GRCh38, 1-based): chr9:97,697,273, G>A on the plus strand (C>T on the coding strand, the complement: XPA is on the minus strand). VCF-style: chr9-97697273-G-A. GRCh37 (hg19) VCF-style: chr9-100459555-G-A.
Other names: c.-1130C>T (NM_001354975.2); short protein forms A7V.
Identifiers: ClinVar variation 1692414 (VCV001692414.1), dbSNP rs1228453951, ClinGen allele CA374188634.
Genomic context (GRCh38, chr9:97,697,273, plus strand): 5'-CTCGCCCGCACCGAGGCAGGCAGCTCCGCGGGTTGCTCTAAAGCCGCCGCCTCCGGCAAA[G>A]CCCCGTCGGCCGCCGCCATCTCTGGCCCACTCCGAGGACCTAGCTCCCAGCTCCACGCAC-3'
Protein context (NP_000371.1, residues 1-17): MAAADG[Ala7Val]LPEAAALEQP

ClinVar aggregate classification (germline): Uncertain significance (1 of 4 stars; one submission).

Conditions:
Xeroderma pigmentosum (XP). Identifiers: Orphanet 910, MedGen C0043346, MONDO:0019600.

gnomAD v4.1: 4 of 1,598,560 alleles (0.00025%); highest among the groups gnomAD compares: South Asian, 0.0011%; no homozygotes.

Submission:

Sema4
Classification: Uncertain significance for Xeroderma pigmentosum. Last evaluated: 2021-04-06. Review status: criteria provided, single submitter. Criteria: Sema4 Curation Guidelines. Collection method: curation. Allele origin: germline.
Comment: The XPA c.20C>T (p.A7V) variant has not been reported in the literature to our knowledge. It was not observed in the large and broad cohorts of the Genome Aggregation Database (PMID: 32461654) and has not been reported in ClinVar. In silico tools suggest the impact of the variant on protein function is benign, though these predictions have not been confirmed by functional studies. The evidence is insufficient to meet ACMG/AMP criteria for classifying the variant as benign or pathogenic. Thus, the clinical significance of this variant is currently uncertain.